The following is an entry in ClinVar:

ClinVar aggregate classification (germline): Uncertain significance. Review status: criteria provided, multiple submitters, no conflicts (2 of 4 stars). 6 submissions from 6 submitters: Uncertain significance (6). Last evaluated 2025-08-15.

Conditions:
COL3A1-related disorder. Also called: COL3A1-related condition.
Polymicrogyria with or without vascular-type Ehlers-Danlos syndrome. Identifiers: Orphanet 636941, MedGen C5193040, MONDO:0032688, OMIM 618343.
Ehlers-Danlos syndrome, type 4 (EDSVASC). Also called: Ehlers-Danlos syndrome vascular type; Ehlers Danlos syndrome, ecchymotic type; Ehlers Danlos syndrome, arterial type; Ehlers Danlos syndrome, Sack-Barabas type; Ehlers-Danlos Syndrome Type IV. Identifiers: Orphanet 286, MedGen C0268338, MONDO:0017314, OMIM 130050.
Familial thoracic aortic aneurysm and aortic dissection (TAAD). Also called: Thoracic aortic aneurysms and dissections. Identifiers: Orphanet 91387, MedGen C4707243, MONDO:0019625.

Allele frequency attached by ClinVar (database versions not stated): gnomAD 0.00001; ExAC 0.00002; gnomAD exomes 0.00002; TOPMed 0.00002.
gnomAD v4.1: 14 of 1,614,012 alleles (0.00087%); highest among the groups gnomAD compares: South Asian, 0.0055%; no homozygotes.

Submissions (6):

PreventionGenetics, part of Exact Sciences
Classification: Uncertain significance for COL3A1-related condition. Last evaluated: 2025-08-15. Review status: criteria provided, single submitter. Criteria: ACMG Guidelines, 2015. Collection method: clinical testing. Allele origin: germline.
Comment: The COL3A1 c.3935G>A variant is predicted to result in the amino acid substitution p.Arg1312Gln. This variant was reported in an individual with thoracic aortic aneurysm and dissection (Supplementary table 2. Yang et al. 2023. PubMed ID: 36517271). This variant is reported in 0.0098% of alleles in individuals of South Asian descent in gnomAD. At this time, the clinical significance of this variant is uncertain due to the absence of conclusive functional and genetic evidence.

Labcorp Genetics (formerly Invitae), Labcorp
Classification: Uncertain significance for Ehlers-Danlos syndrome, type 4. Last evaluated: 2025-03-18. Review status: criteria provided, single submitter. Criteria: Invitae Variant Classification Sherloc (09022015). Collection method: clinical testing. Allele origin: germline.
Comment: This sequence change replaces arginine, which is basic and polar, with glutamine, which is neutral and polar, at codon 1312 of the COL3A1 protein (p.Arg1312Gln). This variant is present in population databases (rs772919524, gnomAD 0.01%). This variant has not been reported in the literature in individuals affected with COL3A1-related conditions. ClinVar contains an entry for this variant (Variation ID: 283149). Invitae Evidence Modeling of protein sequence and biophysical properties (such as structural, functional, and spatial information, amino acid conservation, physicochemical variation, residue mobility, and thermodynamic stability) indicates that this missense variant is not expected to disrupt COL3A1 protein function with a negative predictive value of 95%. Algorithms developed to predict the effect of sequence changes on RNA splicing suggest that this variant may create or strengthen a splice site. In summary, the available evidence is currently insufficient to determine the role of this variant in disease. Therefore, it has been classified as a Variant of Uncertain Significance.

Color Diagnostics, LLC DBA Color Health
Classification: Uncertain significance for Familial thoracic aortic aneurysm and aortic dissection. Last evaluated: 2024-03-06. Review status: criteria provided, single submitter. Criteria: ACMG Guidelines, 2015. Collection method: clinical testing. Allele origin: germline.
Comment: This missense variant replaces arginine with glutamine at codon 1312 of the COL3A1 protein. Computational prediction suggests that this variant may not impact protein structure and function (internally defined REVEL score threshold <= 0.5, PMID: 27666373). Splice site prediction tools suggest that this variant may impact RNA splicing. To our knowledge, functional studies have not been reported for this variant. This variant has not been reported in individuals affected with cardiovascular disorders in the literature. This variant has been identified in 7/282810 chromosomes in the general population by the Genome Aggregation Database (gnomAD). The available evidence is insufficient to determine the role of this variant in disease conclusively. Therefore, this variant is classified as a Variant of Uncertain Significance.

All of Us Research Program, National Institutes of Health
Classification: Uncertain significance for Ehlers-Danlos syndrome, type 4. Last evaluated: 2023-10-02. Review status: criteria provided, single submitter. Criteria: ACMG Guidelines, 2015. Collection method: clinical testing. Allele origin: germline. Inheritance: Autosomal dominant inheritance. Observed: 4 variant alleles, 4 heterozygotes.
Comment: This missense variant replaces arginine with glutamine at codon 1312 of the COL3A1 protein. Computational prediction suggests that this variant may not impact protein structure and function (internally defined REVEL score threshold <= 0.5, PMID: 27666373). Splice site prediction tools suggest that this variant may impact RNA splicing. To our knowledge, functional studies have not been reported for this variant. This variant has not been reported in individuals affected with cardiovascular disorders in the literature. This variant has been identified in 7/282810 chromosomes in the general population by the Genome Aggregation Database (gnomAD). The available evidence is insufficient to determine the role of this variant in disease conclusively. Therefore, this variant is classified as a Variant of Uncertain Significance.

This study involves interpretation of variants in research participants for the purpose of population health screening. Participant phenotype was not available at the time of variant classification. Additional details can be found in publication PMID: 35346344, PMCID: PMC8962531

Fulgent Genetics
Classification: Uncertain significance for Ehlers-Danlos syndrome, type 4; Polymicrogyria with or without vascular-type Ehlers-Danlos syndrome. Last evaluated: 2021-11-05. Review status: criteria provided, single submitter. Criteria: ACMG Guidelines, 2015. Collection method: clinical testing. Allele origin: unknown.

Eurofins Ntd Llc (ga)
Classification: Uncertain significance. Last evaluated: 2015-09-25. Review status: criteria provided, single submitter. Criteria: EGL Classification Definitions 2015. Collection method: clinical testing. Allele origin: germline. Observed: 1 variant allele, 1 heterozygote.

NM_000090.4(COL3A1):c.3935G>A (p.Arg1312Gln)

Gene: COL3A1 (collagen type III alpha 1 chain; plus strand). Cytogenetic location: 2q32.2.
Variant type: single nucleotide variant.
Coding change: c.3935G>A on transcript NM_000090.4 (MANE Select); coding-DNA position 3935, G replaced by A.
Protein change: p.Arg1312Gln; replaces arginine 1312 with glutamine.
Molecular consequence: missense variant.
Genome position (GRCh38, 1-based): chr2:189,010,289, G>A. VCF-style: chr2-189010289-G-A. GRCh37 (hg19) VCF-style: chr2-189875015-G-A.
Other names: short protein forms R1312Q.
Identifiers: ClinVar variation 283149 (VCV000283149.13), dbSNP rs772919524, ClinGen allele CA076358.